The following is an entry in ClinVar:

NM_001206744.2(TPO):c.681del (p.Asp228fs)

Gene: TPO (thyroid peroxidase; plus strand). Cytogenetic location: 2p25.3.
Variant type: Deletion.
Coding change: c.681del on transcript NM_001206744.2 (MANE Select); coding-DNA position 681, one base deleted (T; older notation c.681delT).
Protein change: p.Asp228fs; shifts the reading frame from aspartic acid 228.
Molecular consequence: frameshift variant.
Genome position (GRCh38, 1-based): chr2:1,456,144, T deleted. VCF-style (leftmost placement, unchanged base first): chr2-1456143-CT-C. GRCh37 (hg19) VCF-style: chr2-1459915-CT-C.
Other names: c.681del, p.Asp228fs (NM_000547.6, NM_001206745.2, NM_175719.4 and 2 more transcripts); short protein forms D228fs.
Identifiers: ClinVar variation 2701862 (VCV002701862.3), dbSNP rs2545987693, ClinGen allele CA2657645641.

ClinVar aggregate classification (germline): Pathogenic (1 of 4 stars; one submission).

Allele frequency attached by ClinVar (database versions not stated): gnomAD exomes below 0.00001.

Submission:

Labcorp Genetics (formerly Invitae), Labcorp
Classification: Pathogenic. Last evaluated: 2023-12-09. Review status: criteria provided, single submitter. Criteria: Invitae Variant Classification Sherloc (09022015). Collection method: clinical testing. Allele origin: germline.
Comment: This sequence change creates a premature translational stop signal (p.Asp228Thrfs*3) in the TPO gene. It is expected to result in an absent or disrupted protein product. Loss-of-function variants in TPO are known to be pathogenic (PMID: 11061528, 23236987, 25564141). This variant is not present in population databases (gnomAD no frequency). This variant has not been reported in the literature in individuals affected with TPO-related conditions. For these reasons, this variant has been classified as Pathogenic.

Literature cited by the submitters: PubMed 11061528; PubMed 23236987; PubMed 25564141.